The following is an entry in ClinVar:

NM_021815.5(SLC5A7):c.189C>A (p.Val63=)

Gene: SLC5A7 (solute carrier family 5 member 7; plus strand). Cytogenetic location: 2q12.3.
Variant type: single nucleotide variant.
Coding change: c.189C>A on transcript NM_021815.5 (MANE Select); coding-DNA position 189, C replaced by A.
Protein change: p.Val63=; no amino-acid change (valine 63 retained).
Molecular consequence: synonymous variant. On other transcripts: 5 prime UTR variant (2).
Genome position (GRCh38, 1-based): chr2:107,992,116, C>A. VCF-style: chr2-107992116-C-A. GRCh37 (hg19) VCF-style: chr2-108608572-C-A.
Other names: c.189C>A, p.Val63= (NM_001305005.3); c.-127C>A (NM_001305006.3); c.-516C>A (NM_001305007.3).
Identifiers: ClinVar variation 3752544 (VCV003752544.2).

ClinVar aggregate classification (germline): Uncertain significance (1 of 4 stars; one submission).

Conditions:
Congenital myasthenic syndrome 20. Also called: Myasthenic syndrome, congenital, 20, presynaptic. Identifiers: MedGen C4310694, MONDO:0014939, OMIM 617143.
Neuronopathy, distal hereditary motor, type 7A. Also called: Neuronopathy, distal hereditary motor, type viia; HARPER-YOUNG MYOPATHY; HMN VIIA; NEURONOPATHY, DISTAL HEREDITARY MOTOR, HARDING TYPE VIIA; NEUROPATHY, DISTAL HEREDITARY MOTOR, HARDING TYPE VIIA; Neuronopathy, distal hereditary motor, autosomal dominant 7. Identifiers: Orphanet 139589, MedGen C1834703, MONDO:0008024, OMIM 158580.

Submission:

Labcorp Genetics (formerly Invitae), Labcorp
Classification: Uncertain significance for Neuronopathy, distal hereditary motor, type 7A; Congenital myasthenic syndrome 20. Last evaluated: 2024-10-30. Review status: criteria provided, single submitter. Criteria: Invitae Variant Classification Sherloc (09022015). Collection method: clinical testing. Allele origin: germline.
Comment: This sequence change affects codon 63 of the SLC5A7 mRNA. It is a 'silent' change, meaning that it does not change the encoded amino acid sequence of the SLC5A7 protein. This variant is not present in population databases (gnomAD no frequency). This variant has not been reported in the literature in individuals affected with SLC5A7-related conditions. Algorithms developed to predict the effect of sequence changes on RNA splicing suggest that this variant may disrupt the consensus splice site. In summary, the available evidence is currently insufficient to determine the role of this variant in disease. Therefore, it has been classified as a Variant of Uncertain Significance.